The following is an entry in ClinVar:

ClinVar aggregate classification (germline): Pathogenic. Review status: criteria provided, multiple submitters, no conflicts (2 of 4 stars). 4 submissions from 4 submitters: Pathogenic (4). Last evaluated 2026-02-02.

Conditions:
Autosomal recessive nonsyndromic hearing loss 77. Identifiers: Orphanet 90636, MedGen C2746083, MONDO:0013119, OMIM 613079.

Allele frequency attached by ClinVar (database versions not stated): gnomAD 0.00001.

Submissions (4):

Human Genetics Bochum, Ruhr University Bochum
Classification: Pathogenic for Autosomal recessive nonsyndromic hearing loss 77. Last evaluated: 2026-02-02. Review status: criteria provided, single submitter. Criteria: ACMG Guidelines, 2015. Collection method: clinical testing. Allele origin: germline. Affected: yes.
Comment: in homozygous state; ACMG criteria used to clasify this variant: PVS1, PM3, PM2_SUP

Myriad Genetics, Inc.
Classification: Pathogenic for Autosomal recessive nonsyndromic hearing loss 77. Last evaluated: 2025-05-19. Review status: criteria provided, single submitter. Criteria: Myriad Autosomal Dominant, Autosomal Recessive and X-Linked Classification Criteria (2023). Collection method: clinical testing. Allele origin: unknown.
Comment: NM_144612.6(LOXHD1):c.3061C>T(R1021*) is a nonsense variant classified as pathogenic in the context of nonsyndromic hearing loss, LOXHD1-related. R1021* has been observed in a case with relevant disease (PMID: 28000701). Relevant functional assessments of this variant are not available in the literature. R1021* has been observed in referenced population frequency databases. In summary, NM_144612.6(LOXHD1):c.3061C>T(R1021*) is a nonsense variant in a gene where loss of function is a known mechanism of disease, is predicted to disrupt protein function, and has been observed more frequently in cases with the relevant disease than in healthy populations. Please note: this variant was assessed in the context of healthy population screening.

Natera, Inc.
Classification: Pathogenic for Autosomal recessive deafness type 77. Last evaluated: 2024-09-03. Review status: criteria provided, single submitter. Criteria: Natera Variant Classification Schema (03/2026). Collection method: clinical testing. Allele origin: germline.
Comment: The c.3061C>T variant in LOXHD1 is a nonsense variant predicted to introduce a stop codon at amino acid 1021. This variant is expected to result in nonsense mediated decay, truncation, or a dysfunctional protein product. This variant is rare in the general population with a frequency below the threshold expected for the associated phenotype(s). This variant has been observed in one or more individuals affected with the associated recessive disease, as either homozygous or compound heterozygous with a second variant (PMID: 28000701). Given the available evidence, this variant is classified as Pathogenic.

Labcorp Genetics (formerly Invitae), Labcorp
Classification: Pathogenic. Last evaluated: 2023-07-15. Review status: criteria provided, single submitter. Criteria: Invitae Variant Classification Sherloc (09022015). Collection method: clinical testing. Allele origin: germline.
Comment: For these reasons, this variant has been classified as Pathogenic. ClinVar contains an entry for this variant (Variation ID: 860807). This premature translational stop signal has been observed in individual(s) with clinical features of autosomal recessive deafness (PMID: 28000701). The frequency data for this variant in the population databases is considered unreliable, as metrics indicate poor data quality at this position in the gnomAD database. This sequence change creates a premature translational stop signal (p.Arg1021*) in the LOXHD1 gene. It is expected to result in an absent or disrupted protein product. Loss-of-function variants in LOXHD1 are known to be pathogenic (PMID: 19732867, 21465660, 25792669).

Literature cited by the submitters: PubMed 28000701 (cited by 3 submitters); PubMed 19732867 (cited by Labcorp Genetics (formerly Invitae), Labcorp); PubMed 21465660 (cited by Labcorp Genetics (formerly Invitae), Labcorp); PubMed 25792669 (cited by Labcorp Genetics (formerly Invitae), Labcorp).

NM_001384474.1(LOXHD1):c.3061C>T (p.Arg1021Ter)

Gene: LOXHD1 (lipoxygenase homology PLAT domains 1; minus strand). Cytogenetic location: 18q21.1.
Variant type: single nucleotide variant.
Coding change: c.3061C>T on transcript NM_001384474.1 (MANE Select); coding-DNA position 3061, C replaced by T.
Protein change: p.Arg1021Ter; replaces arginine 1021 with a stop codon.
Molecular consequence: nonsense.
Genome position (GRCh38, 1-based): chr18:46,560,083, G>A on the plus strand (C>T on the coding strand, the complement: LOXHD1 is on the minus strand). VCF-style: chr18-46560083-G-A. GRCh37 (hg19) VCF-style: chr18-44140046-G-A.
Other names: c.3061C>T, p.Arg1021Ter (NM_144612.7); short protein forms R1021*.
Identifiers: ClinVar variation 860807 (VCV000860807.12), dbSNP rs963520367, ClinGen allele CA299794249.